The following is an entry in ClinVar:

NM_003172.4(SURF1):c.589-1G>T

Gene: SURF1 (SURF1 cytochrome c oxidase assembly factor; minus strand). Cytogenetic location: 9q34.2.
Variant type: single nucleotide variant.
Coding change: c.589-1G>T on transcript NM_003172.4 (MANE Select); the canonical splice acceptor site of the intron before coding-DNA position 589, G replaced by T.
Molecular consequence: splice acceptor variant.
Genome position (GRCh38, 1-based): chr9:133,352,609, C>A on the plus strand (G>T on the coding strand, the complement: SURF1 is on the minus strand). VCF-style: chr9-133352609-C-A. GRCh37 (hg19) VCF-style: chr9-136219464-C-A.
Other names: c.262-1G>T (NM_001280787.1).
Identifiers: ClinVar variation 215236 (VCV000215236.2), dbSNP rs863224227, ClinGen allele CA325187.

ClinVar aggregate classification (germline): Pathogenic (1 of 4 stars; one submission).

Submission:

GeneDx
Classification: Pathogenic. Last evaluated: 2015-04-21. Review status: criteria provided, single submitter. Criteria: GeneDx Variant Classification (06012015). Collection method: clinical testing. Allele origin: germline. Affected: yes.
Comment: The c.589-1 G>T mutation has not been reported previously in the literature as a disease-causing mutation or as a benign polymorphism; however, a different amino acid substitution at the same position (c.589-1 G>C) has been previously reported as a disease-causing mutation in a patient with cytochrome c oxidase (COX) deficiency who also has another pathogenic mutation in SURF1 (Von Kleist-Retzow al., 2001). The c.589-1 G>T mutation destroys the canonical splice acceptor site in intron 6, and is expected to cause abnormal gene splicing. The variant is found in MITONUC-MITOP panel(s).